The following is an entry in ClinVar:

ClinVar aggregate classification (germline): Uncertain significance. Review status: criteria provided, multiple submitters, no conflicts (2 of 4 stars). 5 submissions from 5 submitters: Uncertain significance (5). Last evaluated 2024-09-09.

Conditions:
Hereditary cancer-predisposing syndrome. Also called: Neoplastic Syndromes, Hereditary; Hereditary Cancer Syndrome; Hereditary neoplastic syndrome; Tumor predisposition. Identifiers: Orphanet 140162, MedGen C0027672, MeSH D009386, MONDO:0015356.
Peutz-Jeghers syndrome (PJS). Also called: Peutz-Jeghers polyposis; Periorificial lentiginosis syndrome; POLYPOSIS, HAMARTOMATOUS INTESTINAL; POLYPS-AND-SPOTS SYNDROME. Identifiers: Orphanet 2869, MedGen C0031269, MeSH D010580, MONDO:0008280, OMIM 175200.

Allele frequency attached by ClinVar (database versions not stated): gnomAD exomes below 0.00001.
gnomAD v4.1: 1 of 1,612,024 alleles (0.000062%); highest among the groups gnomAD compares: Non-Finnish European, 0.000085%; no homozygotes.

Submissions (5):

Ambry Genetics
Classification: Uncertain significance for Hereditary cancer-predisposing syndrome. Last evaluated: 2024-09-09. Review status: criteria provided, single submitter. Criteria: Ambry Variant Classification Scheme 2023. Collection method: clinical testing. Allele origin: germline.
Comment: The p.I248T variant (also known as c.743T>C), located in coding exon 6 of the STK11 gene, results from a T to C substitution at nucleotide position 743. The isoleucine at codon 248 is replaced by threonine, an amino acid with similar properties. This amino acid position is highly conserved in available vertebrate species. In addition, this alteration is predicted to be deleterious by in silico analysis. Since supporting evidence is limited at this time, the clinical significance of this alteration remains unclear.

Labcorp Genetics (formerly Invitae), Labcorp
Classification: Uncertain significance for Peutz-Jeghers syndrome. Last evaluated: 2024-03-20. Review status: criteria provided, single submitter. Criteria: Invitae Variant Classification Sherloc (09022015). Collection method: clinical testing. Allele origin: germline.
Comment: This sequence change replaces isoleucine, which is neutral and non-polar, with threonine, which is neutral and polar, at codon 248 of the STK11 protein (p.Ile248Thr). This variant is not present in population databases (gnomAD no frequency). This variant has not been reported in the literature in individuals affected with STK11-related conditions. ClinVar contains an entry for this variant (Variation ID: 827048). Advanced modeling of protein sequence and biophysical properties (such as structural, functional, and spatial information, amino acid conservation, physicochemical variation, residue mobility, and thermodynamic stability) performed at Invitae indicates that this missense variant is expected to disrupt STK11 protein function with a positive predictive value of 80%. In summary, the available evidence is currently insufficient to determine the role of this variant in disease. Therefore, it has been classified as a Variant of Uncertain Significance.

Color Diagnostics, LLC DBA Color Health
Classification: Uncertain significance for Hereditary cancer-predisposing syndrome. Last evaluated: 2024-03-06. Review status: criteria provided, single submitter. Criteria: ACMG Guidelines, 2015. Collection method: clinical testing. Allele origin: germline.
Comment: This missense variant replaces isoleucine with threonine at codon 248 of the STK11 protein. Computational prediction tool suggests that this variant may have deleterious impact on protein structure and function (internally defined REVEL score threshold >=0.7, PMID: 27666373). Splice site prediction tools suggest that this variant may not impact RNA splicing. To our knowledge, functional studies have not been performed for this variant. This variant has not been reported in individuals affected with hereditary cancer in the literature. This variant has not been identified in the general population by the Genome Aggregation Database (gnomAD). The available evidence is insufficient to determine the role of this variant in disease conclusively. Therefore, this variant is classified as a Variant of Uncertain Significance.

All of Us Research Program, National Institutes of Health
Classification: Uncertain significance for Peutz-Jeghers syndrome. Last evaluated: 2024-01-11. Review status: criteria provided, single submitter. Criteria: ACMG Guidelines, 2015. Collection method: clinical testing. Allele origin: germline. Inheritance: Autosomal dominant inheritance. Observed: 1 variant allele, 1 heterozygote.
Comment: This missense variant replaces isoleucine with threonine at codon 248 of the STK11 protein. Computational prediction tool suggests that this variant may have deleterious impact on protein structure and function (internally defined REVEL score threshold >=0.7, PMID: 27666373). Splice site prediction tools suggest that this variant may not impact RNA splicing. To our knowledge, functional studies have not been performed for this variant. This variant has not been reported in individuals affected with hereditary cancer in the literature. This variant has not been identified in the general population by the Genome Aggregation Database (gnomAD). The available evidence is insufficient to determine the role of this variant in disease conclusively. Therefore, this variant is classified as a Variant of Uncertain Significance.

This study involves interpretation of variants in research participants for the purpose of population health screening. Participant phenotype was not available at the time of variant classification. Additional details can be found in publication PMID: 35346344, PMCID: PMC8962531

Genome-Nilou Lab
Classification: Uncertain significance for Peutz-Jeghers syndrome. Last evaluated: 2021-07-15. Review status: criteria provided, single submitter. Criteria: ACMG Guidelines, 2015. Collection method: clinical testing. Allele origin: germline. Affected: no.

NM_000455.5(STK11):c.743T>C (p.Ile248Thr)

Gene: STK11 (serine/threonine kinase 11; plus strand). Cytogenetic location: 19p13.3.
Variant type: single nucleotide variant.
Coding change: c.743T>C on transcript NM_000455.5 (MANE Select); coding-DNA position 743, T replaced by C.
Protein change: p.Ile248Thr; replaces isoleucine 248 with threonine.
Molecular consequence: missense variant.
Genome position (GRCh38, 1-based): chr19:1,221,221, T>C. VCF-style: chr19-1221221-T-C. GRCh37 (hg19) VCF-style: chr19-1221220-T-C.
Other names: short protein forms I248T.
Identifiers: ClinVar variation 827048 (VCV000827048.20), dbSNP rs1599927536, ClinGen allele CA402950345.